The following is an entry in ClinVar:

ClinVar aggregate classification (germline): Pathogenic. Review status: criteria provided, multiple submitters, no conflicts (2 of 4 stars). 3 submissions from 3 submitters: Pathogenic (3). Last evaluated 2024-12-18.

Conditions:
Hereditary cancer-predisposing syndrome. Also called: Hereditary Cancer Syndrome; Tumor predisposition; Neoplastic Syndromes, Hereditary; Hereditary neoplastic syndrome. Identifiers: Orphanet 140162, MedGen C0027672, MeSH D009386, MONDO:0015356.
Familial adenomatous polyposis 1 (FAP1). Also called: FAMILIAL ADENOMATOUS POLYPOSIS 1, ATTENUATED; POLYPOSIS, ADENOMATOUS INTESTINAL. Identifiers: MedGen C2713442, MONDO:0021056, OMIM 175100. Disease mechanism: loss of function.

Submissions (3):

Labcorp Genetics (formerly Invitae), Labcorp
Classification: Pathogenic for Familial adenomatous polyposis 1. Last evaluated: 2024-12-18. Review status: criteria provided, single submitter. Criteria: Invitae Variant Classification Sherloc (09022015). Collection method: clinical testing. Allele origin: germline.
Comment: This sequence change creates a premature translational stop signal (p.Ser770Ilefs*5) in the APC gene. While this is not anticipated to result in nonsense mediated decay, it is expected to disrupt the last 2074 amino acid(s) of the APC protein. This variant is not present in population databases (gnomAD no frequency). This variant has not been reported in the literature in individuals affected with APC-related conditions. ClinVar contains an entry for this variant (Variation ID: 2029366). This variant disrupts a region of the APC protein in which other variant(s) (p.Tyr2645Lysfs*14) have been determined to be pathogenic (PMID: 1316610, 8381579, 9824584, 22135120, 27081525; internal data). This suggests that this is a clinically significant region of the protein, and that variants that disrupt it are likely to be disease-causing. For these reasons, this variant has been classified as Pathogenic.

Ambry Genetics
Classification: Pathogenic for Hereditary cancer-predisposing syndrome. Last evaluated: 2023-10-03. Review status: criteria provided, single submitter. Criteria: Ambry Variant Classification Scheme 2023. Collection method: clinical testing. Allele origin: germline.
Comment: The c.2307dupA pathogenic mutation, located in coding exon 15 of the APC gene, results from a duplication of A at nucleotide position 2307, causing a translational frameshift with a predicted alternate stop codon (p.S770Ifs*5). This alteration occurs at the 3' terminus of theAPC gene, is not expected to trigger nonsense-mediated mRNA decay, and only impacts the last 2074 amino acids of the protein. However, premature stop codons are typically deleterious in nature and the impacted region is critical for protein function (Ambry internal data). This alteration has been observed in at least one individual with a personal and/or family history that is consistent with APC-related disease (Ambry internal data). This variant is considered to be rare based on population cohorts in the Genome Aggregation Database (gnomAD). Based on the supporting evidence, this alteration is interpreted as a disease-causing mutation.

Myriad Genetics, Inc.
Classification: Pathogenic for Familial adenomatous polyposis 1. Last evaluated: 2023-05-04. Review status: criteria provided, single submitter. Criteria: Myriad Autosomal Dominant, Autosomal Recessive and X-Linked Classification Criteria (2023). Collection method: clinical testing. Allele origin: unknown.
Comment: This variant is considered pathogenic. This variant creates a frameshift predicted to result in premature protein truncation.

Literature cited by the submitters: PubMed 1316610 (cited by Labcorp Genetics (formerly Invitae), Labcorp); PubMed 8381579 (cited by Labcorp Genetics (formerly Invitae), Labcorp); PubMed 9824584 (cited by Labcorp Genetics (formerly Invitae), Labcorp); PubMed 22135120 (cited by Labcorp Genetics (formerly Invitae), Labcorp); PubMed 27081525 (cited by Labcorp Genetics (formerly Invitae), Labcorp).

NM_000038.6(APC):c.2307dup (p.Ser770fs)

Gene: APC (APC regulator of Wnt signaling pathway; plus strand). Cytogenetic location: 5q22.2.
Variant type: Duplication.
Coding change: c.2307dup on transcript NM_000038.6 (MANE Select); coding-DNA position 2307, one base duplicated (A; older notation c.2307dupA).
Protein change: p.Ser770fs; shifts the reading frame from serine 770.
Molecular consequence: frameshift variant.
Genome position (GRCh38, 1-based): chr5:112,837,901, A duplicated. VCF-style (leftmost placement, unchanged base first): chr5-112837900-T-TA. GRCh37 (hg19) VCF-style: chr5-112173597-T-TA.
Other names: c.2307dupA (NM_000038.5); c.2307dup, p.Ser770fs (NM_001127510.3, NM_001354895.2); c.2253dup, p.Ser752fs (NM_001127511.3); c.2361dup, p.Ser788fs (NM_001354896.2); c.2337dup, p.Ser780fs (NM_001354897.2); c.2232dup, p.Ser745fs (NM_001354898.2); c.2223dup, p.Ser742fs (NM_001354899.2); c.2184dup, p.Ser729fs (NM_001354900.2); and 17 more; short protein forms S610fs, S487fs, S644fs, S711fs, S745fs, S752fs, S770fs, S788fs.
Identifiers: ClinVar variation 2029366 (VCV002029366.6), dbSNP rs2533411265, ClinGen allele CA2580072550.